The following is an entry in ClinVar:

ClinVar aggregate classification (germline): Uncertain significance (1 of 4 stars; one submission).

Submission:

GeneDx
Classification: Uncertain significance. Last evaluated: 2025-05-29. Review status: criteria provided, single submitter. Criteria: GeneDx Variant Classification Process June 2021. Collection method: clinical testing. Allele origin: germline. Affected: yes.
Comment: Not observed at significant frequency in large population cohorts (gnomAD); In silico analysis supports that this missense variant has a deleterious effect on protein structure/function; Has not been previously published as pathogenic or benign to our knowledge

NM_198503.5(KCNT2):c.3224A>G (p.Asp1075Gly)

Gene: KCNT2 (potassium sodium-activated channel subfamily T member 2; minus strand). Cytogenetic location: 1q31.3.
Variant type: single nucleotide variant.
Coding change: c.3224A>G on transcript NM_198503.5 (MANE Select); coding-DNA position 3224, A replaced by G.
Protein change: p.Asp1075Gly; replaces aspartic acid 1075 with glycine.
Molecular consequence: missense variant. On other transcripts: non-coding transcript variant (2).
Genome position (GRCh38, 1-based): chr1:196,236,058, T>C on the plus strand (A>G on the coding strand, the complement: KCNT2 is on the minus strand). VCF-style: chr1-196236058-T-C. GRCh37 (hg19) VCF-style: chr1-196205188-T-C.
Other names: c.3152A>G, p.Asp1051Gly (NM_001287819.3); c.3023A>G, p.Asp1008Gly (NM_001287820.3); short protein forms D1008G, D1051G, D1075G.
Identifiers: ClinVar variation 4532434 (VCV004532434.1).